The following is an entry in ClinVar:

ClinVar aggregate classification (germline): Uncertain significance. Review status: criteria provided, multiple submitters, no conflicts (2 of 4 stars). 2 submissions from 2 submitters: Uncertain significance (2). Last evaluated 2022-10-26.

Conditions:
Inborn genetic diseases. Identifiers: MedGen C0950123, MeSH D030342.

Allele frequency attached by ClinVar (database versions not stated): gnomAD exomes 0.00001.

Submissions (2):

Ambry Genetics
Classification: Uncertain significance for Inborn genetic diseases. Last evaluated: 2022-10-26. Review status: criteria provided, single submitter. Criteria: Ambry Variant Classification Scheme 2023. Collection method: clinical testing. Allele origin: germline.

Labcorp Genetics (formerly Invitae), Labcorp
Classification: Uncertain significance. Last evaluated: 2022-05-12. Review status: criteria provided, single submitter. Criteria: Invitae Variant Classification Sherloc (09022015). Collection method: clinical testing. Allele origin: germline.
Comment: In summary, the available evidence is currently insufficient to determine the role of this variant in disease. Therefore, it has been classified as a Variant of Uncertain Significance. Algorithms developed to predict the effect of missense changes on protein structure and function (SIFT, PolyPhen-2, Align-GVGD) all suggest that this variant is likely to be disruptive. This variant has not been reported in the literature in individuals affected with ITGA8-related conditions. This variant is present in population databases (no rsID available, gnomAD 0.004%). This sequence change replaces valine, which is neutral and non-polar, with isoleucine, which is neutral and non-polar, at codon 298 of the ITGA8 protein (p.Val298Ile).

NM_003638.3(ITGA8):c.892G>A (p.Val298Ile)

Gene: ITGA8 (integrin subunit alpha 8; minus strand). Cytogenetic location: 10p13.
Variant type: single nucleotide variant.
Coding change: c.892G>A on transcript NM_003638.3 (MANE Select); coding-DNA position 892, G replaced by A.
Protein change: p.Val298Ile; replaces valine 298 with isoleucine.
Molecular consequence: missense variant.
Genome position (GRCh38, 1-based): chr10:15,659,055, C>T on the plus strand (G>A on the coding strand, the complement: ITGA8 is on the minus strand). VCF-style: chr10-15659055-C-T. GRCh37 (hg19) VCF-style: chr10-15701054-C-T.
Other names: c.847G>A, p.Val283Ile (NM_001291494.2); short protein forms V298I, V283I.
Identifiers: ClinVar variation 1910536 (VCV001910536.6), dbSNP rs1243742888, ClinGen allele CA376103591.